The following is an entry in ClinVar:

ClinVar aggregate classification (germline): Pathogenic (1 of 4 stars; one submission).

Conditions:
Long chain 3-hydroxyacyl-CoA dehydrogenase deficiency. Also called: LCHAD Deficiency; Deficiency of long-chain 3-hydroxyacyl-coenzyme A dehydrogenase. Identifiers: Orphanet 5, MedGen C3711645, MONDO:0012173, OMIM 609016.
Mitochondrial trifunctional protein deficiency. Identifiers: Orphanet 746, MedGen C1969443, MONDO:0012172.

Submission:

Labcorp Genetics (formerly Invitae), Labcorp
Classification: Pathogenic for Mitochondrial trifunctional protein deficiency; Long chain 3-hydroxyacyl-CoA dehydrogenase deficiency. Last evaluated: 2022-05-14. Review status: criteria provided, single submitter. Criteria: Invitae Variant Classification Sherloc (09022015). Collection method: clinical testing. Allele origin: germline.
Comment: This sequence change creates a premature translational stop signal (p.Arg53Asnfs*2) in the HADHA gene. It is expected to result in an absent or disrupted protein product. Loss-of-function variants in HADHA are known to be pathogenic (PMID: 7738175, 21103935, 21549624, 22459206). For these reasons, this variant has been classified as Pathogenic. This variant has not been reported in the literature in individuals affected with HADHA-related conditions. This variant is not present in population databases (gnomAD no frequency).

Literature cited by the submitters: PubMed 7738175; PubMed 21103935; PubMed 21549624; PubMed 22459206.

NM_000182.5(HADHA):c.156_157del (p.Arg53fs)

Gene: HADHA (hydroxyacyl-CoA dehydrogenase trifunctional multienzyme complex subunit alpha; minus strand). Cytogenetic location: 2p23.3.
Variant type: Deletion.
Coding change: c.156_157del on transcript NM_000182.5 (MANE Select); coding-DNA positions 156 to 157, 2 bases deleted (TC; older notation c.156_157delTC).
Protein change: p.Arg53fs; shifts the reading frame from arginine 53.
Molecular consequence: frameshift variant.
Genome position (GRCh38, 1-based): chr2:26,238,957-26,238,958, GA deleted on the plus strand (TC on the coding strand, the reverse complement: HADHA is on the minus strand). VCF-style (leftmost placement, unchanged base first): chr2-26238956-CGA-C. GRCh37 (hg19) VCF-style: chr2-26461824-CGA-C.
Other names: short protein forms R53fs.
Identifiers: ClinVar variation 1994476 (VCV001994476.4), dbSNP rs2465609001, ClinGen allele CA2580066161.
Genomic context (GRCh38, chr2:26,238,956, plus strand): 5'-GCGGTTAGCAGAAAAAAACTGCAAATTAAATGAGATACCTTTGAATTGGGAGAGTTAATT[CGA>C]ACAACTGCCACATCCCCTTTGACTCCATAGTTAATATGGGTTCTGGCTAAAAAGAAAAGA-3'